The following is an entry in ClinVar:

NM_001376.5(DYNC1H1):c.940G>A (p.Val314Ile)

Gene: DYNC1H1 (dynein cytoplasmic 1 heavy chain 1; plus strand). Cytogenetic location: 14q32.31.
Variant type: single nucleotide variant.
Coding change: c.940G>A on transcript NM_001376.5 (MANE Select); coding-DNA position 940, G replaced by A.
Protein change: p.Val314Ile; replaces valine 314 with isoleucine.
Molecular consequence: missense variant.
Genome position (GRCh38, 1-based): chr14:101,980,529, G>A. VCF-style: chr14-101980529-G-A. GRCh37 (hg19) VCF-style: chr14-102446866-G-A.
Other names: short protein forms V314I.
Identifiers: ClinVar variation 575401 (VCV000575401.13), dbSNP rs747831868, ClinGen allele CA7351608.
Genomic context (GRCh38, chr14:101,980,529, plus strand): 5'-AGCCCGGAAGTTCTCCTGACTCTGGATATCTTGAAACATGGCAAGCGCTTCCATGCCACC[G>A]TCAGTTTTGACACTGACACAGGTAACAACTAGAACTAATAATCTGATCAGTAAGTTATTG-3'
Protein context (NP_001367.2, residues 304-324): LKHGKRFHAT[Val314Ile]SFDTDTGLKQ

ClinVar aggregate classification (germline): Uncertain significance. Review status: criteria provided, multiple submitters, no conflicts (2 of 4 stars). 3 submissions from 3 submitters: Uncertain significance (3). Last evaluated 2025-10-02.

Conditions:
Inborn genetic diseases. Identifiers: MedGen C0950123, MeSH D030342.
Charcot-Marie-Tooth disease axonal type 2O. Also called: CHARCOT-MARIE-TOOTH NEUROPATHY, AXONAL, TYPE 2O; CHARCOT-MARIE-TOOTH DISEASE, AXONAL, AUTOSOMAL DOMINANT, TYPE 2O; Charcot-Marie-Tooth disease, axonal, type 20; Charcot-Marie-Tooth Neuropathy Type 2O. Identifiers: Orphanet 284232, MedGen C3280220, MONDO:0013644, OMIM 614228.

Allele frequency attached by ClinVar (database versions not stated): TOPMed below 0.00001; ExAC 0.00001; gnomAD exomes 0.00001.
gnomAD v4.1: 16 of 1,614,134 alleles (0.00099%); highest among the groups gnomAD compares: East Asian, 0.0045%; no homozygotes.

Submissions (3):

Labcorp Genetics (formerly Invitae), Labcorp
Classification: Uncertain significance for Charcot-Marie-Tooth disease axonal type 2O. Last evaluated: 2025-10-02. Review status: criteria provided, single submitter. Criteria: Invitae Variant Classification Sherloc (09022015). Collection method: clinical testing. Allele origin: germline.
Comment: This sequence change replaces valine, which is neutral and non-polar, with isoleucine, which is neutral and non-polar, at codon 314 of the DYNC1H1 protein (p.Val314Ile). This variant is present in population databases (rs747831868, gnomAD 0.01%). This missense change has been observed in individual(s) with neuropathy (internal data). ClinVar contains an entry for this variant (Variation ID: 575401). Invitae Evidence Modeling of protein sequence and biophysical properties (such as structural, functional, and spatial information, amino acid conservation, physicochemical variation, residue mobility, and thermodynamic stability) has been performed for this missense variant. However, the output from this modeling did not meet the statistical confidence thresholds required to predict the impact of this variant on DYNC1H1 protein function. In summary, the available evidence is currently insufficient to determine the role of this variant in disease. Therefore, it has been classified as a Variant of Uncertain Significance.

Ambry Genetics
Classification: Uncertain significance for Inborn genetic diseases. Last evaluated: 2025-04-03. Review status: criteria provided, single submitter. Criteria: Ambry Variant Classification Scheme 2023. Collection method: clinical testing. Allele origin: germline.

GeneDx
Classification: Uncertain significance. Last evaluated: 2019-11-22. Review status: criteria provided, single submitter. Criteria: GeneDx Variant Classification Process June 2021. Collection method: clinical testing. Allele origin: germline. Affected: yes.
Comment: In silico analysis, which includes protein predictors and evolutionary conservation, supports that this variant does not alter protein structure/function; Has not been previously published as pathogenic or benign to our knowledge